The following is an entry in ClinVar:

ClinVar aggregate classification (germline): Pathogenic (1 of 4 stars; one submission).

Submission:

Labcorp Genetics (formerly Invitae), Labcorp
Classification: Pathogenic. Last evaluated: 2022-08-19. Review status: criteria provided, single submitter. Criteria: Invitae Variant Classification Sherloc (09022015). Collection method: clinical testing. Allele origin: germline.
Comment: For these reasons, this variant has been classified as Pathogenic. This variant has not been reported in the literature in individuals affected with C5-related conditions. This variant is not present in population databases (gnomAD no frequency). This sequence change creates a premature translational stop signal (p.Met596Trpfs*7) in the C5 gene. It is expected to result in an absent or disrupted protein product. Loss-of-function variants in C5 are known to be pathogenic (PMID: 7730648, 19414197, 27026170).

Literature cited by the submitters: PubMed 7730648; PubMed 19414197; PubMed 27026170.

NM_001735.3(C5):c.1786del (p.Met596fs)

Gene: C5 (complement C5; minus strand). Cytogenetic location: 9q33.2.
Variant type: Deletion.
Coding change: c.1786del on transcript NM_001735.3 (MANE Select); coding-DNA position 1786, one base deleted (A; older notation c.1786delA).
Protein change: p.Met596fs; shifts the reading frame from methionine 596.
Molecular consequence: frameshift variant.
Genome position (GRCh38, 1-based): chr9:121,017,442, T deleted on the plus strand (A on the coding strand, the reverse complement: C5 is on the minus strand); the first of 2 consecutive T bases (chr9:121,017,442-121,017,443); deleting either gives the same sequence. VCF-style (leftmost placement, unchanged base first): chr9-121017441-AT-A. GRCh37 (hg19) VCF-style: chr9-123779719-AT-A.
Other names: c.1804del, p.Met602fs (NM_001317163.2); c.1786del, p.Met596fs (NM_001317164.2); short protein forms M602fs, M596fs.
Identifiers: ClinVar variation 1976954 (VCV001976954.5), dbSNP rs2047317144, ClinGen allele CA1128784825.